The following is an entry in ClinVar:

NM_133259.4(LRPPRC):c.1145del (p.Thr382fs)

Gene: LRPPRC (leucine rich pentatricopeptide repeat containing; minus strand). Cytogenetic location: 2p21.
Variant type: Deletion.
Coding change: c.1145del on transcript NM_133259.4 (MANE Select); coding-DNA position 1145, one base deleted (C; older notation c.1145delC).
Protein change: p.Thr382fs; shifts the reading frame from threonine 382.
Molecular consequence: frameshift variant.
Genome position (GRCh38, 1-based): chr2:43,974,160, G deleted on the plus strand (C on the coding strand, the reverse complement: LRPPRC is on the minus strand). VCF-style (leftmost placement, unchanged base first): chr2-43974159-AG-A. GRCh37 (hg19) VCF-style: chr2-44201298-AG-A.
Other names: short protein forms T382fs.
Identifiers: ClinVar variation 5016053 (VCV005016053.1).
Genomic context (GRCh38, chr2:43,974,159, plus strand): 5'-CTTATTTCACTGCCAATTACATTGTCTACAAAGTAAAAGTGGACAGAATACCGTATTCAT[AG>A]TCACACAGTGTTGTAAAAAGAAACTGCCAAAGACACTTGGGCCATCTTCCTTTGATACGG-3'

ClinVar aggregate classification (germline): Pathogenic (1 of 4 stars; one submission).

Conditions:
Congenital lactic acidosis, Saguenay-Lac-Saint-Jean type (MC4DN5). Also called: CYTOCHROME c OXIDASE DEFICIENCY, FRENCH CANADIAN TYPE; COX DEFICIENCY, FRENCH CANADIAN TYPE; MITOCHONDRIAL COMPLEX IV DEFICIENCY, NUCLEAR TYPE 5. Identifiers: Orphanet 70472, MedGen C1857355, MONDO:0009069, OMIM 220111.

Submission:

Myriad Genetics, Inc.
Classification: Pathogenic for Congenital lactic acidosis, Saguenay-Lac-Saint-Jean type. Last evaluated: 2026-06-18. Review status: criteria provided, single submitter. Criteria: Myriad Autosomal Dominant, Autosomal Recessive and X-Linked Classification Criteria (2023). Collection method: clinical testing. Allele origin: unknown.
Comment: NM_133259.3(LRPPRC):c.1145delC(T382Ifs*2) is expected to be pathogenic in the context of Leigh syndrome, French-Canadian type. This variant is predicted to lead to an abnormal or absent protein product due to the creation of a premature termination codon in LRPPRC, a gene where loss-of-function variants are known to be pathogenic. Please note: this variant was assessed in the context of healthy population screening.